The following is an entry in ClinVar:

NM_002890.3(RASA1):c.1517_1520del (p.Tyr506fs)

Genes: CCNH (cyclin H; minus strand), RASA1 (RAS p21 protein activator 1; plus strand). Cytogenetic location: 5q14.3.
Variant type: Microsatellite.
Coding change: c.1517_1520del on transcript NM_002890.3 (MANE Select); coding-DNA positions 1517 to 1520, 4 bases deleted (ATTT; older notation c.1517_1520delATTT).
Protein change: p.Tyr506fs; shifts the reading frame from tyrosine 506.
Molecular consequence: frameshift variant. On other transcripts: intron variant (1).
Genome position (GRCh38, 1-based): chr5:87,363,411-87,363,414, ATTT deleted; deleting any 4 consecutive bases within chr5:87,363,405-87,363,414 gives the same sequence; the c. name uses the placement nearest the transcript's 3' end. VCF-style (leftmost placement, unchanged base first): chr5-87363404-CTTAT-C. GRCh37 (hg19) VCF-style: chr5-86659221-CTTAT-C.
Other names: c.986_989del, p.Tyr329fs (NM_022650.3); c.933+31636_933+31639del (NM_001364075.2); short protein forms Y329fs, Y506fs.
Identifiers: ClinVar variation 4856117 (VCV004856117.1).

ClinVar aggregate classification (germline): Pathogenic (1 of 4 stars; one submission).

Conditions:
Capillary malformation-arteriovenous malformation 1 (CMAVM1). Identifiers: Orphanet 137667, Orphanet 693907, MedGen C4747394, MONDO:0020783, OMIM 608354.

Submission:

3billion
Classification: Pathogenic for Capillary malformation-arteriovenous malformation 1. Last evaluated: 2025-10-22. Review status: criteria provided, single submitter. Criteria: ACMG Guidelines, 2015. Collection method: clinical testing. Allele origin: germline. Affected: yes.
Comment: The variant is observed at an extremely low frequency in the gnomAD v4.1.0 dataset (total allele frequency: <0.001%). Predicted Consequence/Location: Frameshift: predicted to result in a loss or disruption of normal protein function through nonsense-mediated decay (NMD) or protein truncation. Multiple pathogenic variants are reported downstream of the variant. The variant has been reported to be associated with RASA1-related disorder (PMID: 24038909). Therefore, this variant is classified as Pathogenic according to the recommendation of ACMG/AMP guideline.

Literature cited by the submitters: PubMed 24038909.